The following is an entry in ClinVar:

NM_000135.4(FANCA):c.427_428delinsTG (p.Lys143Trp)

Gene: FANCA (FA complementation group A; minus strand). Cytogenetic location: 16q24.3.
Variant type: Indel.
Coding change: c.427_428delinsTG on transcript NM_000135.4 (MANE Select); coding-DNA positions 427 to 428, AA replaced by TG.
Protein change: p.Lys143Trp; replaces lysine 143 with tryptophan.
Molecular consequence: missense variant. On other transcripts: intron variant (1).
Genome position (GRCh38, 1-based): chr16:89,810,801-89,810,802, TT replaced by CA on the plus strand (AA replaced by TG on the coding strand, the reverse complement: FANCA is on the minus strand). VCF-style: chr16-89810801-TT-CA. GRCh37 (hg19) VCF-style: chr16-89877209-TT-CA.
Other names: c.427_428delinsTG, p.Lys143Trp (NM_001018112.3, NM_001286167.3); c.426+127_426+128delinsTG (NM_001351830.2); short protein forms K143W.
Identifiers: ClinVar variation 958038 (VCV000958038.1), dbSNP rs2040847073, ClinGen allele CA1139664987.

ClinVar aggregate classification (germline): Uncertain significance (1 of 4 stars; one submission).

Conditions:
Fanconi anemia (FA). Also called: Fanconi's anemia. Identifiers: Orphanet 84, MedGen C0015625, MeSH D005199, MONDO:0019391.

Submission:

Labcorp Genetics (formerly Invitae), Labcorp
Classification: Uncertain significance for Fanconi anemia. Last evaluated: 2019-11-18. Review status: criteria provided, single submitter. Criteria: Invitae Variant Classification Sherloc (09022015). Collection method: clinical testing. Allele origin: germline.
Comment: This sequence change replaces lysine with tryptophan at codon 143 of the FANCA protein (p.Lys143Trp). The lysine residue is weakly conserved and there is a moderate physicochemical difference between lysine and tryptophan. This variant is not present in population databases (ExAC no frequency). This variant has not been reported in the literature in individuals with FANCA-related conditions. Algorithms developed to predict the effect of missense changes on protein structure and function are either unavailable or do not agree on the potential impact of this missense change (SIFT: "deleterious"; PolyPhen-2: "Possibly Damaging"; Align-GVGD: "Class C0"). Algorithms developed to predict the effect of sequence changes on RNA splicing suggest that this variant may create or strengthen a splice site, but this prediction has not been confirmed by published transcriptional studies. In summary, the available evidence is currently insufficient to determine the role of this variant in disease. Therefore, it has been classified as a Variant of Uncertain Significance.